The following is an entry in ClinVar:

ClinVar aggregate classification (germline): Uncertain significance (1 of 4 stars; one submission).

Conditions:
Charcot-Marie-Tooth disease type 2. Also called: Charcot-Marie-Tooth type 2. Identifiers: Orphanet 64746, MedGen C0270914, MONDO:0018993.

Submission:

Labcorp Genetics (formerly Invitae), Labcorp
Classification: Uncertain significance for Charcot-Marie-Tooth disease type 2. Last evaluated: 2022-01-11. Review status: criteria provided, single submitter. Criteria: Invitae Variant Classification Sherloc (09022015). Collection method: clinical testing. Allele origin: germline.
Comment: This sequence change replaces valine, which is neutral and non-polar, with alanine, which is neutral and non-polar, at codon 452 of the LMNA protein (p.Val452Ala). In summary, the available evidence is currently insufficient to determine the role of this variant in disease. Therefore, it has been classified as a Variant of Uncertain Significance. Algorithms developed to predict the effect of missense changes on protein structure and function (SIFT, PolyPhen-2, Align-GVGD) all suggest that this variant is likely to be disruptive. This missense change has been observed in individual(s) with autosomal dominant limb-girdle muscular dystrophy (Invitae). This variant is not present in population databases (gnomAD no frequency).

NM_170707.4(LMNA):c.1355T>C (p.Val452Ala)

Gene: LMNA (lamin A/C; plus strand). Cytogenetic location: 1q22.
Variant type: single nucleotide variant.
Coding change: c.1355T>C on transcript NM_170707.4 (MANE Select); coding-DNA position 1355, T replaced by C.
Protein change: p.Val452Ala; replaces valine 452 with alanine.
Molecular consequence: missense variant.
Genome position (GRCh38, 1-based): chr1:156,136,411, T>C. VCF-style: chr1-156136411-T-C. GRCh37 (hg19) VCF-style: chr1-156106202-T-C.
Other names: c.1019T>C, p.Val340Ala (NM_001257374.3); c.1112T>C, p.Val371Ala (NM_001282624.2); c.1355T>C, p.Val452Ala (NM_001282625.2, NM_001282626.2, NM_005572.4 and 1 more transcripts); short protein forms V452A, V340A, V371A.
Identifiers: ClinVar variation 1514780 (VCV001514780.6), dbSNP rs2102891292, ClinGen allele CA342822214.